The following is an entry in ClinVar:

ClinVar aggregate classification (germline): Likely benign. Review status: criteria provided, multiple submitters, no conflicts (2 of 4 stars). 3 submissions from 3 submitters: Likely benign (2). 1 of the submissions does not count toward it. Last evaluated 2026-01-15.

Conditions:
CIT-related disorder. Also called: CIT-related condition.

Allele frequency attached by ClinVar (database versions not stated): gnomAD exomes 0.00029 and 0.00047; ExAC 0.00043; 1000 Genomes Project 0.00060; 1000 Genomes Project 30x 0.00062; gnomAD 0.00076 and 0.00085; TOPMed 0.00102; ESP Exome Variant Server 0.00112.

Submissions (3):

Labcorp Genetics (formerly Invitae), Labcorp
Classification: Likely benign. Last evaluated: 2026-01-15. Review status: criteria provided, single submitter. Criteria: Invitae Variant Classification Sherloc (09022015). Collection method: clinical testing. Allele origin: germline.

Blueprint Genetics
Classification: Likely benign. Last evaluated: 2024-10-14. Review status: criteria provided, single submitter. Criteria: ACMG Guidelines, 2015. Collection method: clinical testing. Allele origin: germline.

PreventionGenetics, part of Exact Sciences
Classification: Likely benign for CIT-related condition. Last evaluated: 2023-11-21. Review status: no assertion criteria provided. Collection method: clinical testing. Allele origin: germline. Not counted in ClinVar's aggregate classification.
Comment: This variant is classified as likely benign based on ACMG/AMP sequence variant interpretation guidelines (Richards et al. 2015 PMID: 25741868, with internal and published modifications).

NM_001206999.2(CIT):c.239-9del

Gene: CIT (citron rho-interacting serine/threonine kinase; minus strand). Cytogenetic location: 12q24.23.
Variant type: Deletion.
Coding change: c.239-9del on transcript NM_001206999.2 (MANE Select); 9 bases into the intron before coding-DNA position 239, one base deleted (C; older notation c.239-9delC).
Molecular consequence: intron variant.
Genome position (GRCh38, 1-based): chr12:119,857,707, G deleted on the plus strand (C on the coding strand, the reverse complement: CIT is on the minus strand). VCF-style (leftmost placement, unchanged base first): chr12-119857706-AG-A. GRCh37 (hg19) VCF-style: chr12-120295510-AG-A.
Other names: c.239-9del (NM_007174.3, NM_001206999.1).
Identifiers: ClinVar variation 718525 (VCV000718525.12), dbSNP rs574844028, ClinGen allele CA6822468.